The following is an entry in ClinVar:

ClinVar aggregate classification (germline): Pathogenic (1 of 4 stars; one submission).

Submission:

GeneDx
Classification: Pathogenic. Last evaluated: 2015-05-22. Review status: criteria provided, single submitter. Criteria: GeneDx Variant Classification (06012015). Collection method: clinical testing. Allele origin: germline. Affected: yes.
Comment: The c.5319+1G>T variant in the KMT2D gene has not been reported previously as a pathogenic variant nor as a benign polymorphism, to our knowledge. This splice site variant destroys the canonicalsplice donor site in intron 22. It is predicted to cause abnormal gene splicing, either leading to an abnormalmessage that is subject to nonsense-mediated mRNA decay, or to an abnormal protein product if themessage is used for protein translation. The c.5319+1G>T variant was not observed in approximately6300 individuals of European and African American ancestry in the NHLBI Exome Sequencing Project,indicating it is not a common variant in these populations. We interpret c.5319+1G>T as a pathogenic variant.

NM_003482.4(KMT2D):c.5319+1G>T

Gene: KMT2D (lysine methyltransferase 2D; minus strand). Cytogenetic location: 12q13.12.
Variant type: single nucleotide variant.
Coding change: c.5319+1G>T on transcript NM_003482.4 (MANE Select); the canonical splice donor site of the intron after coding-DNA position 5319, G replaced by T.
Molecular consequence: splice donor variant.
Genome position (GRCh38, 1-based): chr12:49,043,867, C>A on the plus strand (G>T on the coding strand, the complement: KMT2D is on the minus strand). VCF-style: chr12-49043867-C-A. GRCh37 (hg19) VCF-style: chr12-49437650-C-A.
Identifiers: ClinVar variation 379742 (VCV000379742.2), dbSNP rs1057520722, ClinGen allele CA16606559.
Genomic context (GRCh38, chr12:49,043,867, plus strand): 5'-GTTTTCTTCATGCCCTGCAGGGCACAGACACCTCCCTCACTGCTTGGAGCCTGAGACCCA[C>A]CTGCAAGTAAGCAGGGAACATGTCCTCCAGTTTGCTCTTCTTGCGCCCTCGCCGCTGTTG-3'